The following is an entry in ClinVar:

NM_004526.4(MCM2):c.493G>A (p.Glu165Lys)

Gene: MCM2 (minichromosome maintenance complex component 2; plus strand). Cytogenetic location: 3q21.3.
Variant type: single nucleotide variant.
Coding change: c.493G>A on transcript NM_004526.4 (MANE Select); coding-DNA position 493, G replaced by A.
Protein change: p.Glu165Lys; replaces glutamic acid 165 with lysine.
Molecular consequence: missense variant. On other transcripts: non-coding transcript variant (1).
Genome position (GRCh38, 1-based): chr3:127,604,976, G>A. VCF-style: chr3-127604976-G-A. GRCh37 (hg19) VCF-style: chr3-127323819-G-A.
Other names: short protein forms E165K.
Identifiers: ClinVar variation 4743775 (VCV004743775.1).

ClinVar aggregate classification (germline): Uncertain significance (1 of 4 stars; one submission).

gnomAD v4.1: 13 of 1,613,948 alleles (0.00081%); highest among the groups gnomAD compares: Middle Eastern, 0.016%; no homozygotes.

Submission:

Labcorp Genetics (formerly Invitae), Labcorp
Classification: Uncertain significance. Last evaluated: 2025-09-03. Review status: criteria provided, single submitter. Criteria: Invitae Variant Classification Sherloc (09022015). Collection method: clinical testing. Allele origin: germline.
Comment: This sequence change replaces glutamic acid, which is acidic and polar, with lysine, which is basic and polar, at codon 165 of the MCM2 protein (p.Glu165Lys). This variant is present in population databases (rs566433714, gnomAD 0.007%). This variant has not been reported in the literature in individuals affected with MCM2-related conditions. An algorithm developed to predict the effect of missense changes on protein structure and function (PolyPhen-2) suggests that this variant is likely to be disruptive. In summary, the available evidence is currently insufficient to determine the role of this variant in disease. Therefore, it has been classified as a Variant of Uncertain Significance.